The following is an entry in ClinVar:

NM_001394062.1(MACF1):c.420C>G (p.Phe140Leu)

Gene: MACF1 (microtubule actin crosslinking factor 1; plus strand). Cytogenetic location: 1p34.3.
Variant type: single nucleotide variant.
Coding change: c.420C>G on transcript NM_001394062.1 (MANE Select); coding-DNA position 420, C replaced by G.
Protein change: p.Phe140Leu; replaces phenylalanine 140 with leucine.
Molecular consequence: missense variant.
Genome position (GRCh38, 1-based): chr1:39,254,360, C>G. VCF-style: chr1-39254360-C-G. GRCh37 (hg19) VCF-style: chr1-39720032-C-G.
Other names: c.435C>G, p.Phe145Leu (NM_012090.5); short protein forms F140L, F145L.
Identifiers: ClinVar variation 3893594 (VCV003893594.1).

ClinVar aggregate classification (germline): Uncertain significance (1 of 4 stars; one submission).

Submission:

GeneDx
Classification: Uncertain significance. Last evaluated: 2024-10-24. Review status: criteria provided, single submitter. Criteria: GeneDx Variant Classification Process June 2021. Collection method: clinical testing. Allele origin: germline. Affected: yes.
Comment: Not observed at significant frequency in large population cohorts (gnomAD); In silico analysis supports that this missense variant has a deleterious effect on protein structure/function; Has not been previously published as pathogenic or benign to our knowledge